The following is an entry in ClinVar:

NM_022455.5(NSD1):c.3985C>T (p.Gln1329Ter)

Gene: NSD1 (nuclear receptor binding SET domain protein 1; plus strand). Cytogenetic location: 5q35.3.
Variant type: single nucleotide variant.
Coding change: c.3985C>T on transcript NM_022455.5 (MANE Select); coding-DNA position 3985, C replaced by T.
Protein change: p.Gln1329Ter; replaces glutamine 1329 with a stop codon.
Molecular consequence: nonsense.
Genome position (GRCh38, 1-based): chr5:177,238,300, C>T. VCF-style: chr5-177238300-C-T. GRCh37 (hg19) VCF-style: chr5-176665301-C-T.
Other names: c.3112C>T, p.Gln1038Ter (NM_001365684.2, NM_001409306.1, NM_001409307.1 and 3 more transcripts); c.3985C>T, p.Gln1329Ter (NM_001409301.1, NM_001409302.1, NM_001409303.1); c.3565C>T, p.Gln1189Ter (NM_001409304.1); c.3232C>T, p.Gln1078Ter (NM_001409305.1); short protein forms Q1060*, Q1329*, Q1189*, Q1038*, Q1078*.
Identifiers: ClinVar variation 1453706 (VCV001453706.6), dbSNP rs2149887293, ClinGen allele CA362339903.

ClinVar aggregate classification (germline): Pathogenic (1 of 4 stars; one submission).

Submission:

Labcorp Genetics (formerly Invitae), Labcorp
Classification: Pathogenic. Last evaluated: 2021-04-02. Review status: criteria provided, single submitter. Criteria: Invitae Variant Classification Sherloc (09022015). Collection method: clinical testing. Allele origin: germline.
Comment: For these reasons, this variant has been classified as Pathogenic. Algorithms developed to predict the effect of sequence changes on RNA splicing suggest that this variant may create or strengthen a splice site, but this prediction has not been confirmed by published transcriptional studies. This variant has not been reported in the literature in individuals with NSD1-related conditions. This variant is not present in population databases (ExAC no frequency). This sequence change creates a premature translational stop signal (p.Gln1329*) in the NSD1 gene. It is expected to result in an absent or disrupted protein product. Loss-of-function variants in NSD1 are known to be pathogenic (PMID: 12464997, 14571271, 15942875, 16247291).

Literature cited by the submitters: PubMed 12464997; PubMed 14571271; PubMed 15942875; PubMed 16247291.